The following is an entry in ClinVar:

ClinVar aggregate classification (germline): Uncertain significance. Review status: criteria provided, multiple submitters, no conflicts (2 of 4 stars). 2 submissions from 2 submitters: Uncertain significance (2). Last evaluated 2023-08-11.

Conditions:
Cardiovascular phenotype. Identifiers: MedGen CN230736.
Dilated cardiomyopathy 1J (CMD1J). Also called: CARDIOMYOPATHY, DILATED, WITH SENSORINEURAL HEARING LOSS, AUTOSOMAL DOMINANT. Identifiers: Orphanet 217622, MedGen C1854368, MONDO:0011541, OMIM 605362.

Allele frequency attached by ClinVar (database versions not stated): gnomAD exomes below 0.00001; TOPMed below 0.00001; gnomAD 0.00001.
gnomAD v4.1: 2 of 1,613,750 alleles (0.00012%); highest among the groups gnomAD compares: Non-Finnish European, 0.00017%; no homozygotes.

Submissions (2):

Ambry Genetics
Classification: Uncertain significance for Cardiovascular phenotype. Last evaluated: 2023-08-11. Review status: criteria provided, single submitter. Criteria: Ambry Variant Classification Scheme 2023. Collection method: clinical testing. Allele origin: germline.
Comment: The p.S223T variant (also known as c.668G>C), located in coding exon 8 of the EYA4 gene, results from a G to C substitution at nucleotide position 668. The serine at codon 223 is replaced by threonine, an amino acid with similar properties. This amino acid position is conserved. In addition, the in silico prediction for this alteration is inconclusive. Since supporting evidence is limited at this time, the clinical significance of this alteration remains unclear.

Labcorp Genetics (formerly Invitae), Labcorp
Classification: Uncertain significance for Dilated cardiomyopathy 1J. Last evaluated: 2022-06-13. Review status: criteria provided, single submitter. Criteria: Invitae Variant Classification Sherloc (09022015). Collection method: clinical testing. Allele origin: germline.
Comment: This sequence change replaces serine, which is neutral and polar, with threonine, which is neutral and polar, at codon 223 of the EYA4 protein (p.Ser223Thr). This variant is not present in population databases (gnomAD no frequency). This variant has not been reported in the literature in individuals affected with EYA4-related conditions. Algorithms developed to predict the effect of missense changes on protein structure and function are either unavailable or do not agree on the potential impact of this missense change (SIFT: "Tolerated"; PolyPhen-2: "Probably Damaging"; Align-GVGD: "Class C0"). In summary, the available evidence is currently insufficient to determine the role of this variant in disease. Therefore, it has been classified as a Variant of Uncertain Significance.

NM_004100.5(EYA4):c.668G>C (p.Ser223Thr)

Gene: EYA4 (EYA transcriptional coactivator and phosphatase 4; plus strand). Cytogenetic location: 6q23.2.
Variant type: single nucleotide variant.
Coding change: c.668G>C on transcript NM_004100.5 (MANE Select); coding-DNA position 668, G replaced by C.
Protein change: p.Ser223Thr; replaces serine 223 with threonine.
Molecular consequence: missense variant.
Genome position (GRCh38, 1-based): chr6:133,462,708, G>C. VCF-style: chr6-133462708-G-C. GRCh37 (hg19) VCF-style: chr6-133783846-G-C.
Other names: c.506G>C, p.Ser169Thr (NM_001301012.2, NM_001370459.1); c.668G>C, p.Ser223Thr (NM_001301013.2, NM_172105.4); c.599G>C, p.Ser200Thr (NM_001370458.1, NM_172103.4); c.668G>C (NM_004100.4); short protein forms S169T, S223T, S200T.
Identifiers: ClinVar variation 1360273 (VCV001360273.7), dbSNP rs1468256328, ClinGen allele CA365699385.
Genomic context (GRCh38, chr6:133,462,708, plus strand): 5'-AGACAGAGAGTGGACTTTCCCAAACTCAGTCCCCATTACAGAGTGGCTGCCTCAGTTACA[G>C]CCCAGGGTTCTCTACCCCACAGCCAGGCCAGACACCTTATTCTTACCAAATGCCAGGTAA-3'
Protein context (NP_004091.3, residues 213-233): SPLQSGCLSY[Ser223Thr]PGFSTPQPGQ